The following is an entry in ClinVar:

NM_001039348.3(EFEMP1):c.1420G>C (p.Gly474Arg)

Gene: EFEMP1 (EGF-like fibulin extracellular matrix protein 1; minus strand). Cytogenetic location: 2p16.1.
Variant type: single nucleotide variant.
Coding change: c.1420G>C on transcript NM_001039348.3 (MANE Select); coding-DNA position 1420, G replaced by C.
Protein change: p.Gly474Arg; replaces glycine 474 with arginine.
Molecular consequence: missense variant.
Genome position (GRCh38, 1-based): chr2:55,867,135, C>G on the plus strand (G>C on the coding strand, the complement: EFEMP1 is on the minus strand). VCF-style: chr2-55867135-C-G. GRCh37 (hg19) VCF-style: chr2-56094270-C-G.
Other names: c.1420G>C, p.Gly474Arg (NM_001039349.3); short protein forms G474R.
Identifiers: ClinVar variation 861496 (VCV000861496.33), dbSNP rs200959130, ClinGen allele CA1668683.

ClinVar aggregate classification (germline): Conflicting classifications of pathogenicity. Review status: criteria provided, conflicting classifications (1 of 4 stars). 5 submissions from 5 submitters: Uncertain significance (2); Likely benign (2). 1 of the submissions does not count toward it. Last evaluated 2025-12-04.

Conditions:
EFEMP1-related disorder. Also called: EFEMP1-related condition.
Retinal dystrophy. Also called: Inherited retinal dystrophy. Identifiers: Orphanet 71862, MedGen C0854723, MeSH D058499, MONDO:0019118, HP:0000556.

Allele frequency attached by ClinVar (database versions not stated): ExAC 0.00007; gnomAD exomes 0.00008 and 0.00014; TOPMed 0.00009; gnomAD 0.00014 and 0.00015; ESP Exome Variant Server 0.00015.
gnomAD v4.1: 223 of 1,613,758 alleles (0.014%); highest among the groups gnomAD compares: Middle Eastern, 0.068%; no homozygotes.

Submissions (5):

PreventionGenetics, part of Exact Sciences
Classification: Uncertain significance for EFEMP1-related condition. Last evaluated: 2025-12-04. Review status: criteria provided, single submitter. Criteria: ACMG Guidelines, 2015. Collection method: clinical testing. Allele origin: germline.
Comment: The EFEMP1 c.1420G>C variant is predicted to result in the amino acid substitution p.Gly474Arg. To our knowledge, this variant has not been reported in the literature. This variant is reported in 0.077% of alleles in individuals of Ashkenazi Jewish descent in gnomAD. At this time, the clinical significance of this variant is uncertain due to the absence of conclusive functional and genetic evidence.

Labcorp Genetics (formerly Invitae), Labcorp
Classification: Uncertain significance. Last evaluated: 2025-11-05. Review status: criteria provided, single submitter. Criteria: Invitae Variant Classification Sherloc (09022015). Collection method: clinical testing. Allele origin: germline.
Comment: This sequence change replaces glycine, which is neutral and non-polar, with arginine, which is basic and polar, at codon 474 of the EFEMP1 protein (p.Gly474Arg). This variant is present in population databases (rs200959130, gnomAD 0.07%). This variant has not been reported in the literature in individuals affected with EFEMP1-related conditions. ClinVar contains an entry for this variant (Variation ID: 861496). Invitae Evidence Modeling of protein sequence and biophysical properties (such as structural, functional, and spatial information, amino acid conservation, physicochemical variation, residue mobility, and thermodynamic stability) indicates that this missense variant is not expected to disrupt EFEMP1 protein function with a negative predictive value of 80%. In summary, the available evidence is currently insufficient to determine the role of this variant in disease. Therefore, it has been classified as a Variant of Uncertain Significance.

Blueprint Genetics
Classification: Likely benign. Last evaluated: 2024-01-12. Review status: criteria provided, single submitter. Criteria: ACMG Guidelines, 2015. Collection method: clinical testing. Allele origin: germline.

CeGaT Center for Human Genetics Tuebingen
Classification: Likely benign. Last evaluated: 2022-07-01. Review status: criteria provided, single submitter. Criteria: CeGaT Center For Human Genetics Tuebingen Variant Classification Criteria Version 2. Collection method: clinical testing. Allele origin: germline. Affected: yes. Observed: 1 variant allele.
Comment: EFEMP1: BS2

Institute of Human Genetics, Univ. Regensburg, Univ. Regensburg
Classification: Likely benign for Retinal dystrophy. Last evaluated: 2019-01-01. Review status: no assertion criteria provided. Criteria: ACMG Guidelines, 2015. Collection method: clinical testing. Allele origin: germline. Affected: yes. Not counted in ClinVar's aggregate classification.